The following is an entry in ClinVar:

NM_015629.4(PRPF31):c.349A>T (p.Lys117Ter)

Genes: PRPF31 (pre-mRNA processing factor 31; plus strand), PRPF31-AS1 (PRPF31 antisense RNA 1; minus strand). Cytogenetic location: 19q13.42.
Variant type: single nucleotide variant.
Coding change: c.349A>T on transcript NM_015629.4 (MANE Select); coding-DNA position 349, A replaced by T.
Protein change: p.Lys117Ter; replaces lysine 117 with a stop codon.
Molecular consequence: nonsense.
Genome position (GRCh38, 1-based): chr19:54,122,523, A>T. VCF-style: chr19-54122523-A-T. GRCh37 (hg19) VCF-style: chr19-54625902-A-T.
Other names: short protein forms K117*.
Identifiers: ClinVar variation 1392037 (VCV001392037.7), dbSNP rs2146413337, ClinGen allele CA407749847.

ClinVar aggregate classification (germline): Pathogenic/Likely pathogenic. Review status: criteria provided, multiple submitters, no conflicts (2 of 4 stars). 2 submissions from 2 submitters: Pathogenic (1); Likely pathogenic (1). Last evaluated 2022-09-25.

Conditions:
PRPF31-related disorder. Also called: PRPF31-related condition.

Submissions (2):

Labcorp Genetics (formerly Invitae), Labcorp
Classification: Pathogenic. Last evaluated: 2022-09-25. Review status: criteria provided, single submitter. Criteria: Invitae Variant Classification Sherloc (09022015). Collection method: clinical testing. Allele origin: germline.
Comment: This sequence change creates a premature translational stop signal (p.Lys117*) in the PRPF31 gene. It is expected to result in an absent or disrupted protein product. Loss-of-function variants in PRPF31 are known to be pathogenic (PMID: 18317597, 23950152). This variant is not present in population databases (gnomAD no frequency). This variant has not been reported in the literature in individuals affected with PRPF31-related conditions. ClinVar contains an entry for this variant (Variation ID: 1392037). For these reasons, this variant has been classified as Pathogenic.

Blueprint Genetics
Classification: Likely pathogenic for PRPF31-related disorders. Last evaluated: 2022-06-03. Review status: criteria provided, single submitter. Criteria: ACMG Guidelines, 2015. Collection method: clinical testing. Allele origin: germline. Affected: yes. Observed: 1 variant allele.

Literature cited by the submitters: PubMed 18317597 (cited by Labcorp Genetics (formerly Invitae), Labcorp); PubMed 23950152 (cited by Labcorp Genetics (formerly Invitae), Labcorp).